The following is an entry in ClinVar:

ClinVar aggregate classification (germline): Conflicting classifications of pathogenicity. Review status: criteria provided, conflicting classifications (1 of 4 stars). 2 submissions from 1 submitter: Uncertain significance (1); Likely benign (1). Last evaluated 2018-01-13.

Conditions:
Gastrointestinal stromal tumor. Also called: Gastrointestinal stroma tumor; Gastrointestinal stromal tumor, somatic. Identifiers: Orphanet 44890, MedGen C0238198, MeSH D046152, MONDO:0011719, OMIM 606764, HP:0100723.
Idiopathic hypereosinophilic syndrome (HES). Identifiers: Orphanet 3260, MedGen C0206141, MONDO:0011895, OMIM 607685. Disease mechanism: gain of function.

Allele frequency attached by ClinVar (database versions not stated): gnomAD exomes 0.00027; 1000 Genomes Project 30x 0.00062; gnomAD 0.00079 and 0.00083; 1000 Genomes Project 0.00080; TOPMed 0.00088.
gnomAD v4.1: 141 of 233,740 alleles (0.06%); highest among the groups gnomAD compares: African/African-American, 0.29%; 1 homozygote.

Submissions (2):

Illumina Laboratory Services, Illumina
Classification: Uncertain significance for Gastrointestinal stromal tumor. Last evaluated: 2018-01-13. Review status: criteria provided, single submitter. Criteria: ICSL Variant Classification Criteria 13 December 2019. Collection method: clinical testing. Allele origin: germline.

Illumina Laboratory Services, Illumina
Classification: Likely benign for Idiopathic hypereosinophilic syndrome. Last evaluated: 2018-01-13. Review status: criteria provided, single submitter. Criteria: ICSL Variant Classification Criteria 13 December 2019. Collection method: clinical testing. Allele origin: germline.
Comment: This variant was observed in the ICSL laboratory as part of a predisposition screen in an ostensibly healthy population. It had not been previously curated by ICSL or reported in the Human Gene Mutation Database (HGMD: prior to June 1st, 2018), and was therefore a candidate for classification through an automated scoring system. Utilizing variant allele frequency, disease prevalence and penetrance estimates, and inheritance mode, an automated score was calculated to assess if this variant is too frequent to cause the disease. Based on the score and internal cut-off values, a variant classified as likely benign is not then subjected to further curation. The score for this variant resulted in a classification of likely benign for this disease.

NM_006206.6(PDGFRA):c.*2100A>G

Gene: PDGFRA (platelet derived growth factor receptor alpha; plus strand). Cytogenetic location: 4q12.
Variant type: single nucleotide variant.
Coding change: c.*2100A>G on transcript NM_006206.6 (MANE Select); 2100 bases downstream of the stop codon, A replaced by G.
Molecular consequence: 3 prime UTR variant.
Genome position (GRCh38, 1-based): chr4:54,297,372, A>G. VCF-style: chr4-54297372-A-G. GRCh37 (hg19) VCF-style: chr4-55163539-A-G.
Other names: c.*2100A>G (NM_001347828.2, NM_001347829.2, NM_001347830.2).
Identifiers: ClinVar variation 900968 (VCV000900968.4), dbSNP rs192159089, ClinGen allele CA96834632.